The following is an entry in ClinVar:

NM_001367721.1(CASK):c.1583-3T>G

Gene: CASK (calcium/calmodulin dependent serine protein kinase; minus strand). Cytogenetic location: Xp11.4.
Variant type: single nucleotide variant.
Coding change: c.1583-3T>G on transcript NM_001367721.1 (MANE Select); 3 bases into the intron before coding-DNA position 1583, T replaced by G.
Molecular consequence: intron variant.
Genome position (GRCh38, 1-based): chrX:41,561,647, A>C on the plus strand (T>G on the coding strand, the complement: CASK is on the minus strand). VCF-style: chrX-41561647-A-C. GRCh37 (hg19) VCF-style: chrX-41420900-A-C.
Other names: c.1565-3T>G (NM_001126055.3, NM_001410745.1); c.1583-3T>G (NM_001126054.3, NM_003688.4).
Identifiers: ClinVar variation 3675794 (VCV003675794.2).
Genomic context (GRCh38, chrX:41,561,647, plus strand): 5'-TGGTTAGCCACACTGATGCCATTGATTTCTCGAATTTCATCACCAACATGAAGTGTACCT[A>C]AGAAATTATATAACATTATAAACATGAAATGATATATGCTTTCATAGTAACAAAATCCAG-3'

ClinVar aggregate classification (germline): Uncertain significance (1 of 4 stars; one submission).

Conditions:
Intellectual disability, CASK-related, X-linked. Identifiers: MedGen CN043158.

gnomAD v4.1: 3 of 1,125,240 alleles (0.00027%); highest among the groups gnomAD compares: Admixed American, 0.0065%; no homozygotes.

Submission:

Labcorp Genetics (formerly Invitae), Labcorp
Classification: Uncertain significance for Intellectual disability, CASK-related, X-linked. Last evaluated: 2024-12-10. Review status: criteria provided, single submitter. Criteria: Invitae Variant Classification Sherloc (09022015). Collection method: clinical testing. Allele origin: germline.
Comment: This sequence change falls in intron 16 of the CASK gene. It does not directly change the encoded amino acid sequence of the CASK protein. It affects a nucleotide within the consensus splice site. This variant is present in population databases (rs777461278, gnomAD 0.01%), including at least one homozygous and/or hemizygous individual. This variant has not been reported in the literature in individuals affected with CASK-related conditions. Variants that disrupt the consensus splice site are a relatively common cause of aberrant splicing (PMID: 17576681, 9536098). Algorithms developed to predict the effect of sequence changes on RNA splicing suggest that this variant may disrupt the consensus splice site. In summary, the available evidence is currently insufficient to determine the role of this variant in disease. Therefore, it has been classified as a Variant of Uncertain Significance.

Literature cited by the submitters: PubMed 17576681; PubMed 9536098.